The following is an entry in ClinVar:

NM_006231.4(POLE):c.4181T>G (p.Val1394Gly)

Gene: POLE (DNA polymerase epsilon, catalytic subunit; minus strand). Cytogenetic location: 12q24.33.
Variant type: single nucleotide variant.
Coding change: c.4181T>G on transcript NM_006231.4 (MANE Select); coding-DNA position 4181, T replaced by G.
Protein change: p.Val1394Gly; replaces valine 1394 with glycine.
Molecular consequence: missense variant.
Genome position (GRCh38, 1-based): chr12:132,643,946, A>C on the plus strand (T>G on the coding strand, the complement: POLE is on the minus strand). VCF-style: chr12-132643946-A-C. GRCh37 (hg19) VCF-style: chr12-133220532-A-C.
Other names: c.4181T>G (NM_006231.3); short protein forms V1394G.
Identifiers: ClinVar variation 1386659 (VCV001386659.8), dbSNP rs2138561597, ClinGen allele CA387382399.

ClinVar aggregate classification (germline): Uncertain significance. Review status: criteria provided, multiple submitters, no conflicts (2 of 4 stars). 2 submissions from 2 submitters: Uncertain significance (2). Last evaluated 2025-03-12.

Conditions:
POLE-related disorder. Also called: POLE-related disorders; POLE-related condition.

gnomAD v4.1: 1 of 1,613,848 alleles (0.000062%); highest among the groups gnomAD compares: East Asian, 0.0022%; no homozygotes.

Submissions (2):

Labcorp Genetics (formerly Invitae), Labcorp
Classification: Uncertain significance. Last evaluated: 2025-03-12. Review status: criteria provided, single submitter. Criteria: Invitae Variant Classification Sherloc (09022015). Collection method: clinical testing. Allele origin: germline.
Comment: This sequence change replaces valine, which is neutral and non-polar, with glycine, which is neutral and non-polar, at codon 1394 of the POLE protein (p.Val1394Gly). This variant is not present in population databases (gnomAD no frequency). This variant has not been reported in the literature in individuals affected with POLE-related conditions. ClinVar contains an entry for this variant (Variation ID: 1386659). Invitae Evidence Modeling of protein sequence and biophysical properties (such as structural, functional, and spatial information, amino acid conservation, physicochemical variation, residue mobility, and thermodynamic stability) indicates that this missense variant is not expected to disrupt POLE protein function with a negative predictive value of 80%. In summary, the available evidence is currently insufficient to determine the role of this variant in disease. Therefore, it has been classified as a Variant of Uncertain Significance.

PreventionGenetics, part of Exact Sciences
Classification: Uncertain significance for POLE-related condition. Last evaluated: 2023-09-25. Review status: criteria provided, single submitter. Criteria: ACMG Guidelines, 2015. Collection method: clinical testing. Allele origin: germline.
Comment: The POLE c.4181T>G variant is predicted to result in the amino acid substitution p.Val1394Gly. To our knowledge, this variant has not been reported in the literature or in a large population database, indicating this variant is rare. At this time, the clinical significance of this variant is uncertain due to the absence of conclusive functional and genetic evidence.